The following is an entry in ClinVar:

ClinVar aggregate classification (germline): Likely pathogenic. Review status: reviewed by expert panel (3 of 4 stars). 2 submissions from 2 submitters: Likely pathogenic (1). 1 of the submissions does not count toward it. Last evaluated 2025-09-05.

Conditions:
RPGR-related retinopathy. Also called: RPGR retinopathy. Identifiers: MedGen CN305589, MONDO:0100437.
Retinal dystrophy. Also called: Inherited retinal dystrophy. Identifiers: Orphanet 71862, MedGen C0854723, MeSH D058499, MONDO:0019118, HP:0000556.

Submissions (2):

ClinGen X-linked Inherited Retinal Disease Variant Curation Expert Panel, ClinGen
Classification: Likely pathogenic for RPGR-related retinopathy. Last evaluated: 2025-09-05. Review status: reviewed by expert panel. Criteria: ClinGen X LinkedIRD ACMG Specifications RPGR V1.0.0. Collection method: curation. Allele origin: germline. Inheritance: X-linked inheritance.
Comment: NM_001034853.2(RPGR):c.284G>A (p.Gly95Glu) is a missense variant that replaces glycine with glutamic acid at amino acid 95. Another missense variant in the same codon, NM_001034853.2(RPGR):c.283G>A (p.Gly95Arg; PMID: 28488341) has been classified as pathogenic for RPGR-related retinopathy by the ClinGen X-linked IRD VCEP, while no benign missense variants have been identified in this codon. Glycine-to-glutamate has a lower Grantham’s distance (98) than the glycine-to-arginine (125), so PM5_Supporting cannot be met. This variant is absent from gnomAD v4.1.0 (PM2_Supporting). This variant has been reported in at least 3 apparently unrelated probands meeting one of the PS4 requirements of some functional vision impairment in affected males by age 30 years, and/or decreased or absent electroretinogram responses (PMID: 33598457, PMID: 34287692, PMID: 36445968, PS4_Moderate). At least one proband harboring this variant exhibits a phenotype including childhood onset (1 pt), rod-specific b-wave that was reduced or undetectable (1 pt), accumulation of bone spicules (0.5 pts), and reduced visual acuity (0.5 pts), with genotyping by exome sequencing using a 77-gene panel followed by a 161-gene panel that did not identify an alternative basis for retinal disease (2 pts), which together are specific for RPGR-related retinopathy (5 points, PMID 28512305, PP4). The variant has been reported to segregate with retinal dystrophy through at least 2 affected meioses from 1 family (PP1; PMID: [33598457]). The computational predictor REVEL gives a score of 0.983, which is above the ClinGen X-linked IRD VCEP threshold of ≥0.932 and predicts a damaging effect on RPGR function (PP3_Strong). In summary, this variant is classified as likely pathogenic for RPGR-related retinopathy based on the ClinGen X-linked Inherited Retinal Disease Expert Panel Specifications to the ACMG/AMP Variant Interpretation Guidelines for RPGR Version 1.0.0; PM2_Supporting, PS4_Moderate, PP3_Strong, PP4, and PP1.

Institute of Human Genetics, Univ. Regensburg, Univ. Regensburg
Classification: Likely pathogenic for Retinal dystrophy. Last evaluated: 2023-01-01. Review status: no assertion criteria provided. Criteria: ACMG Guidelines, 2015. Collection method: clinical testing. Allele origin: germline. Affected: yes. Not counted in ClinVar's aggregate classification.

NM_001034853.2(RPGR):c.284G>A (p.Gly95Glu)

Gene: RPGR (retinitis pigmentosa GTPase regulator; minus strand). Cytogenetic location: Xp11.4.
Variant type: single nucleotide variant.
Coding change: c.284G>A on transcript NM_001034853.2 (MANE Select); coding-DNA position 284, G replaced by A.
Protein change: p.Gly95Glu; replaces glycine 95 with glutamic acid.
Molecular consequence: missense variant. On other transcripts: non-coding transcript variant (6).
Genome position (GRCh38, 1-based): chrX:38,321,053, C>T on the plus strand (G>A on the coding strand, the complement: RPGR is on the minus strand). VCF-style: chrX-38321053-C-T. GRCh37 (hg19) VCF-style: chrX-38180306-C-T.
Other names: c.284G>A, p.Gly95Glu (NM_000328.3, NM_001367245.1, NM_001367246.1 and 4 more transcripts); c.314G>A, p.Gly105Glu (NM_001367248.1); short protein forms G105E, G95E.
Identifiers: ClinVar variation 3249360 (VCV003249360.2).